The following is an entry in ClinVar:

ClinVar aggregate classification (germline): Uncertain significance (1 of 4 stars; one submission).

Conditions:
Inborn genetic diseases. Identifiers: MedGen C0950123, MeSH D030342.

gnomAD v4.1: 5 of 1,614,066 alleles (0.00031%); highest among the groups gnomAD compares: South Asian, 0.0055%; no homozygotes.

Submission:

Ambry Genetics
Classification: Uncertain significance for Inborn genetic diseases. Last evaluated: 2025-12-29. Review status: criteria provided, single submitter. Criteria: Ambry Variant Classification Scheme 2023. Collection method: clinical testing. Allele origin: germline.
Comment: The p.D976E variant (also known as c.2928C>G), located in coding exon 30 of the FANCA gene, results from a C to G substitution at nucleotide position 2928. The aspartic acid at codon 976 is replaced by glutamic acid, an amino acid with highly similar properties. This amino acid position is conserved. In addition, the in silico prediction for this alteration is inconclusive. Based on the available evidence, the clinical significance of this variant remains unclear.

NM_000135.4(FANCA):c.2928C>G (p.Asp976Glu)

Gene: FANCA (FA complementation group A; minus strand). Cytogenetic location: 16q24.3.
Variant type: single nucleotide variant.
Coding change: c.2928C>G on transcript NM_000135.4 (MANE Select); coding-DNA position 2928, C replaced by G.
Protein change: p.Asp976Glu; replaces aspartic acid 976 with glutamic acid.
Molecular consequence: missense variant.
Genome position (GRCh38, 1-based): chr16:89,758,630, G>C on the plus strand (C>G on the coding strand, the complement: FANCA is on the minus strand). VCF-style: chr16-89758630-G-C. GRCh37 (hg19) VCF-style: chr16-89825038-G-C.
Other names: c.2928C>G, p.Asp976Glu (NM_001286167.3); short protein forms D976E.
Identifiers: ClinVar variation 4843027 (VCV004843027.1).